The following is an entry in ClinVar:

ClinVar aggregate classification (germline): Likely benign. Review status: criteria provided, multiple submitters, no conflicts (2 of 4 stars). 4 submissions from 4 submitters: Likely benign (4). Last evaluated 2026-02-03.

Conditions:
Early-infantile DEE. Also called: Ohtahara syndrome; Early infantile epileptic encephalopathy with suppression bursts; Early infantile epileptic encephalopathy. Identifiers: Orphanet 1934, MedGen C0393706, MONDO:0800491.

Allele frequency attached by ClinVar (database versions not stated): TOPMed 0.00024; ExAC 0.00031; ESP Exome Variant Server 0.00038.
gnomAD v4.1: 120 of 1,527,714 alleles (0.0079%); highest among the groups gnomAD compares: African/African-American, 0.041%; no homozygotes.

Submissions (4):

Labcorp Genetics (formerly Invitae), Labcorp
Classification: Likely benign for Early-infantile DEE. Last evaluated: 2026-02-03. Review status: criteria provided, single submitter. Criteria: Invitae Variant Classification Sherloc (09022015). Collection method: clinical testing. Allele origin: germline.

CeGaT Center for Human Genetics Tuebingen
Classification: Likely benign. Last evaluated: 2020-02-01. Review status: criteria provided, single submitter. Criteria: CeGaT Center For Human Genetics Tuebingen Variant Classification Criteria Version 2. Collection method: clinical testing. Allele origin: germline. Affected: yes. Observed: 2 variant alleles.

GeneDx
Classification: Likely benign. Last evaluated: 2015-11-09. Review status: criteria provided, single submitter. Criteria: GeneDx Variant Classification (06012015). Collection method: clinical testing. Allele origin: germline. Affected: yes.
Comment: This variant is considered likely benign or benign based on one or more of the following criteria: it is a conservative change, it occurs at a poorly conserved position in the protein, it is predicted to be benign by multiple in silico algorithms, and/or has population frequency not consistent with disease.

Breakthrough Genomics
Classification: Likely benign. Review status: criteria provided, single submitter. Criteria: ACMG Guidelines, 2015. Collection method: not provided. Allele origin: germline. Inheritance: Autosomal dominant inheritance. Affected: yes.

NM_172107.4(KCNQ2):c.2244C>T (p.His748=)

Gene: KCNQ2 (potassium voltage-gated channel subfamily Q member 2; minus strand). Cytogenetic location: 20q13.33.
Variant type: single nucleotide variant.
Coding change: c.2244C>T on transcript NM_172107.4 (MANE Select); coding-DNA position 2244, C replaced by T.
Protein change: p.His748=; no amino-acid change (histidine 748 retained).
Molecular consequence: synonymous variant.
Genome position (GRCh38, 1-based): chr20:63,407,019, G>A on the plus strand (C>T on the coding strand, the complement: KCNQ2 is on the minus strand). VCF-style: chr20-63407019-G-A. GRCh37 (hg19) VCF-style: chr20-62038372-G-A.
Other names: c.2160C>T, p.His720= (NM_004518.6); c.2190C>T, p.His730= (NM_172106.3); c.2151C>T, p.His717= (NM_172108.5).
Identifiers: ClinVar variation 378031 (VCV000378031.54), dbSNP rs376327268, ClinGen allele CA9958118.